The following is an entry in ClinVar:

ClinVar aggregate classification (germline): Uncertain significance (1 of 4 stars; one submission).

Conditions:
Hereditary diffuse gastric adenocarcinoma (HDGC). Also called: DIFFUSE GASTRIC AND LOBULAR BREAST CANCER SYNDROME. Identifiers: Orphanet 26106, MedGen C1708349, MONDO:0007648, OMIM 137215.

Submission:

Labcorp Genetics (formerly Invitae), Labcorp
Classification: Uncertain significance for Hereditary diffuse gastric adenocarcinoma. Last evaluated: 2024-01-17. Review status: criteria provided, single submitter. Criteria: Invitae Variant Classification Sherloc (09022015). Collection method: clinical testing. Allele origin: germline.
Comment: This sequence change replaces asparagine, which is neutral and polar, with lysine, which is basic and polar, at codon 863 of the CDH1 protein (p.Asn863Lys). This variant is not present in population databases (gnomAD no frequency). This variant has not been reported in the literature in individuals affected with CDH1-related conditions. ClinVar contains an entry for this variant (Variation ID: 1474312). An algorithm developed to predict the effect of missense changes on protein structure and function (PolyPhen-2) suggests that this variant is likely to be tolerated. In summary, the available evidence is currently insufficient to determine the role of this variant in disease. Therefore, it has been classified as a Variant of Uncertain Significance.

NM_004360.5(CDH1):c.2589C>G (p.Asn863Lys)

Gene: CDH1 (cadherin 1; plus strand). Cytogenetic location: 16q22.1.
Variant type: single nucleotide variant.
Coding change: c.2589C>G on transcript NM_004360.5 (MANE Select); coding-DNA position 2589, C replaced by G.
Protein change: p.Asn863Lys; replaces asparagine 863 with lysine.
Molecular consequence: missense variant.
Genome position (GRCh38, 1-based): chr16:68,833,439, C>G. VCF-style: chr16-68833439-C-G. GRCh37 (hg19) VCF-style: chr16-68867342-C-G.
Other names: c.2406C>G, p.Asn802Lys (NM_001317184.2); c.1041C>G, p.Asn347Lys (NM_001317185.2); c.624C>G, p.Asn208Lys (NM_001317186.2); short protein forms N347K, N208K, N802K, N863K.
Identifiers: ClinVar variation 1474312 (VCV001474312.8), dbSNP rs115817750, ClinGen allele CA396472598.